The following is an entry in ClinVar:

ClinVar aggregate classification (germline): Uncertain significance. Review status: criteria provided, multiple submitters, no conflicts (2 of 4 stars). 2 submissions from 2 submitters: Uncertain significance (2). Last evaluated 2023-12-11.

Allele frequency attached by ClinVar (database versions not stated): gnomAD exomes 0.00001; TOPMed 0.00001; ExAC 0.00002.
gnomAD v4.1: 3 of 1,613,976 alleles (0.00019%); highest among the groups gnomAD compares: Non-Finnish European, 0.00025%; no homozygotes.

Submissions (2):

Labcorp Genetics (formerly Invitae), Labcorp
Classification: Uncertain significance. Last evaluated: 2023-12-11. Review status: criteria provided, single submitter. Criteria: Invitae Variant Classification Sherloc (09022015). Collection method: clinical testing. Allele origin: germline.
Comment: This sequence change replaces isoleucine, which is neutral and non-polar, with methionine, which is neutral and non-polar, at codon 203 of the SLC10A2 protein (p.Ile203Met). This variant is present in population databases (rs199970115, gnomAD 0.002%). This variant has not been reported in the literature in individuals affected with SLC10A2-related conditions. ClinVar contains an entry for this variant (Variation ID: 502570). Advanced modeling of protein sequence and biophysical properties (such as structural, functional, and spatial information, amino acid conservation, physicochemical variation, residue mobility, and thermodynamic stability) performed at Invitae indicates that this missense variant is not expected to disrupt SLC10A2 protein function with a negative predictive value of 80%. In summary, the available evidence is currently insufficient to determine the role of this variant in disease. Therefore, it has been classified as a Variant of Uncertain Significance.

Eurofins Ntd Llc (ga)
Classification: Uncertain significance. Last evaluated: 2017-06-14. Review status: criteria provided, single submitter. Criteria: EGL Classification Definitions 2015. Collection method: clinical testing. Allele origin: germline. Observed: 1 variant allele, 1 heterozygote.

NM_000452.3(SLC10A2):c.609C>G (p.Ile203Met)

Gene: SLC10A2 (solute carrier family 10 member 2; minus strand). Cytogenetic location: 13q33.1.
Variant type: single nucleotide variant.
Coding change: c.609C>G on transcript NM_000452.3 (MANE Select); coding-DNA position 609, C replaced by G.
Protein change: p.Ile203Met; replaces isoleucine 203 with methionine.
Molecular consequence: missense variant.
Genome position (GRCh38, 1-based): chr13:103,051,409, G>C on the plus strand (C>G on the coding strand, the complement: SLC10A2 is on the minus strand). VCF-style: chr13-103051409-G-C. GRCh37 (hg19) VCF-style: chr13-103703759-G-C.
Other names: short protein forms I203M.
Identifiers: ClinVar variation 502570 (VCV000502570.8), dbSNP rs199970115, ClinGen allele CA7042110.